The following is an entry in ClinVar:

NM_001360.3(DHCR7):c.514A>G (p.Ile172Val)

Gene: DHCR7 (7-dehydrocholesterol reductase; minus strand). Cytogenetic location: 11q13.4.
Variant type: single nucleotide variant.
Coding change: c.514A>G on transcript NM_001360.3 (MANE Select); coding-DNA position 514, A replaced by G.
Protein change: p.Ile172Val; replaces isoleucine 172 with valine.
Molecular consequence: missense variant.
Genome position (GRCh38, 1-based): chr11:71,441,339, T>C on the plus strand (A>G on the coding strand, the complement: DHCR7 is on the minus strand). VCF-style: chr11-71441339-T-C. GRCh37 (hg19) VCF-style: chr11-71152385-T-C.
Other names: c.514A>G, p.Ile172Val (NM_001163817.2, NM_001425107.1, NM_001425109.1 and 7 more transcripts); c.550A>G, p.Ile184Val (NM_001425108.1); c.454A>G, p.Ile152Val (NM_001425113.1); c.418A>G, p.Ile140Val (NM_001425114.1, NM_001425116.1); c.340A>G, p.Ile114Val (NM_001425117.1); short protein forms I140V, I184V, I114V, I152V, I172V.
Identifiers: ClinVar variation 4989812 (VCV004989812.2).
Genomic context (GRCh38, chr11:71,441,339, plus strand): 5'-AGACGGCATAGCCAAGGATGTTGGCGCACCACAGCAGTGGGATCCAGTTGTCGAAGATGA[T>C]GGTGGGCGAGAACCAGGACAGGAGATGAGCGTTTGCAAACCAGAGCAGGTGCGTGAGGAG-3'
Protein context (NP_001351.2, residues 162-182): AHLLSWFSPT[Ile172Val]IFDNWIPLLW

ClinVar aggregate classification (germline): Uncertain significance. Review status: criteria provided, multiple submitters, no conflicts (2 of 4 stars). 3 submissions from 3 submitters: Uncertain significance (3). Last evaluated 2026-07-04.

Conditions:
Inborn genetic diseases. Identifiers: MedGen C0950123, MeSH D030342.
DHCR7-related disorder. Also called: DHCR7-related condition.

Submissions (3):

Ambry Genetics
Classification: Uncertain significance for Inborn genetic diseases. Last evaluated: 2026-07-04. Review status: criteria provided, single submitter. Criteria: Ambry Variant Classification Scheme 2023. Collection method: clinical testing. Allele origin: germline.
Comment: The p.I172V variant (also known as c.514A>G), located in coding exon 4 of the DHCR7 gene, results from an A to G substitution at nucleotide position 514. The isoleucine at codon 172 is replaced by valine, an amino acid with highly similar properties. This amino acid position is conserved. In addition, the in silico prediction for this alteration is inconclusive. Based on the available evidence, the clinical significance of this variant remains unclear.

PreventionGenetics, part of Exact Sciences
Classification: Uncertain significance for DHCR7-related condition. Last evaluated: 2026-04-28. Review status: criteria provided, single submitter. Criteria: ACMG Guidelines, 2015. Collection method: clinical testing. Allele origin: germline.
Comment: The DHCR7 c.514A>G variant is predicted to result in the amino acid substitution p.Ile172Val. To our knowledge, this variant has not been reported in the literature. This variant is reported in 0.0097% of alleles in individuals of European (Non-Finnish) descent in gnomAD. At this time, the clinical significance of this variant is uncertain due to the absence of conclusive functional and genetic evidence.

GeneDx
Classification: Uncertain significance. Last evaluated: 2026-02-13. Review status: criteria provided, single submitter. Criteria: GeneDx Variant Classification Process June 2021. Collection method: clinical testing. Allele origin: germline.
Comment: Not observed at significant frequency in large population cohorts (gnomAD); In silico analysis suggests that this missense variant does not alter protein structure/function; Has not been previously published as pathogenic or benign to our knowledge